The following is an entry in ClinVar:

NM_000051.4(ATM):c.1547T>G (p.Leu516Ter)

Gene: ATM (ATM serine/threonine kinase; plus strand). Cytogenetic location: 11q22.3.
Variant type: single nucleotide variant.
Coding change: c.1547T>G on transcript NM_000051.4 (MANE Select); coding-DNA position 1547, T replaced by G.
Protein change: p.Leu516Ter; replaces leucine 516 with a stop codon.
Molecular consequence: nonsense.
Genome position (GRCh38, 1-based): chr11:108,251,012, T>G. VCF-style: chr11-108251012-T-G. GRCh37 (hg19) VCF-style: chr11-108121739-T-G.
Other names: c.1547T>G, p.Leu516Ter (NM_001351834.2); short protein forms L516*.
Identifiers: ClinVar variation 453376 (VCV000453376.12), dbSNP rs786202195, ClinGen allele CA382534329.

ClinVar aggregate classification (germline): Pathogenic/Likely pathogenic. Review status: criteria provided, multiple submitters, no conflicts (2 of 4 stars). 4 submissions from 4 submitters: Pathogenic (3); Likely pathogenic (1). Last evaluated 2025-08-11.

Conditions:
Hereditary cancer-predisposing syndrome. Also called: Tumor predisposition; Hereditary Cancer Syndrome; Neoplastic Syndromes, Hereditary; Hereditary neoplastic syndrome. Identifiers: Orphanet 140162, MedGen C0027672, MeSH D009386, MONDO:0015356.
Familial cancer of breast. Also called: Hereditary breast cancer; hereditary breast carcinoma; BREAST CANCER, FAMILIAL. Identifiers: Orphanet 227535, MedGen C0346153, MONDO:0016419, OMIM 114480. Disease mechanism: loss of function.
Ataxia-telangiectasia syndrome (AT). Also called: Cerebello-oculocutaneous telangiectasia; Immunodeficiency with ataxia telangiectasia; Ataxia-telangiectasia, complementation group D; AT, COMPLEMENTATION GROUP C; Ataxia-telangiectasia, complementation group E; LOUIS-BAR SYNDROME. Identifiers: Orphanet 100, MedGen C0004135, MONDO:0008840, OMIM 208900.

Allele frequency attached by ClinVar (database versions not stated): gnomAD 0.00001; TOPMed 0.00001.
gnomAD v4.1: 1 of 1,614,064 alleles (0.000062%); highest among the groups gnomAD compares: African/African-American, 0.0013%; no homozygotes.

Submissions (4):

Ambry Genetics
Classification: Pathogenic for Hereditary cancer-predisposing syndrome. Last evaluated: 2025-08-11. Review status: criteria provided, single submitter. Criteria: Ambry Variant Classification Scheme 2023. Collection method: clinical testing. Allele origin: germline.
Comment: The p.L516* pathogenic mutation (also known as c.1547T>G), located in coding exon 9 of the ATM gene, results from a T to G substitution at nucleotide position 1547. This changes the amino acid from a leucine to a stop codon within coding exon 9. This variant is considered to be rare based on population cohorts in the Genome Aggregation Database (gnomAD). This alteration is expected to result in loss of function by premature protein truncation or nonsense-mediated mRNA decay. As such, this alteration is interpreted as a disease-causing mutation.

Quest Diagnostics Nichols Institute San Juan Capistrano
Classification: Likely pathogenic. Last evaluated: 2025-06-04. Review status: criteria provided, single submitter. Criteria: Quest Diagnostics criteria. Collection method: clinical testing. Allele origin: unknown.
Comment: The ATM c.1547T>G (p.Leu516*) variant is predicted to cause the premature termination of ATM protein synthesis. This variant has not been reported in individuals with ATM-related conditions in the published literature. The frequency of this variant in the general population (Genome Aggregation Database) is uninformative in the assessment of its pathogenicity. Based on the available information, this variant is classified as likely pathogenic.

Labcorp Genetics (formerly Invitae), Labcorp
Classification: Pathogenic for Ataxia-telangiectasia syndrome. Last evaluated: 2024-09-03. Review status: criteria provided, single submitter. Criteria: Invitae Variant Classification Sherloc (09022015). Collection method: clinical testing. Allele origin: germline.
Comment: This sequence change creates a premature translational stop signal (p.Leu516*) in the ATM gene. It is expected to result in an absent or disrupted protein product. Loss-of-function variants in ATM are known to be pathogenic (PMID: 23807571, 25614872). This variant is not present in population databases (gnomAD no frequency). This variant has not been reported in the literature in individuals affected with ATM-related conditions. ClinVar contains an entry for this variant (Variation ID: 453376). For these reasons, this variant has been classified as Pathogenic.

Myriad Genetics, Inc.
Classification: Pathogenic for Familial cancer of breast. Last evaluated: 2024-01-16. Review status: criteria provided, single submitter. Criteria: Myriad Autosomal Dominant, Autosomal Recessive and X-Linked Classification Criteria (2023). Collection method: clinical testing. Allele origin: unknown.
Comment: This variant is considered pathogenic. This variant creates a termination codon and is predicted to result in premature protein truncation.

Literature cited by the submitters: PubMed 23807571 (cited by Labcorp Genetics (formerly Invitae), Labcorp); PubMed 25614872 (cited by Labcorp Genetics (formerly Invitae), Labcorp).